The following is an entry in ClinVar:

NM_021102.4(SPINT2):c.40C>T (p.Leu14Phe)

Gene: SPINT2 (serine peptidase inhibitor, Kunitz type 2; plus strand). Cytogenetic location: 19q13.2.
Variant type: single nucleotide variant.
Coding change: c.40C>T on transcript NM_021102.4 (MANE Select); coding-DNA position 40, C replaced by T.
Protein change: p.Leu14Phe; replaces leucine 14 with phenylalanine.
Molecular consequence: missense variant.
Genome position (GRCh38, 1-based): chr19:38,264,932, C>T. VCF-style: chr19-38264932-C-T. GRCh37 (hg19) VCF-style: chr19-38755572-C-T.
Other names: c.40C>T (NM_021102.3); c.40C>T, p.Leu14Phe (NM_001166103.2); short protein forms L14F.
Identifiers: ClinVar variation 1496733 (VCV001496733.9), dbSNP rs1386633374, ClinGen allele CA405626675.

ClinVar aggregate classification (germline): Uncertain significance. Review status: criteria provided, multiple submitters, no conflicts (2 of 4 stars). 2 submissions from 2 submitters: Uncertain significance (2). Last evaluated 2025-10-24.

Conditions:
Inborn genetic diseases. Identifiers: MedGen C0950123, MeSH D030342.

gnomAD v4.1: 2 of 1,536,372 alleles (0.00013%); highest among the groups gnomAD compares: East Asian, 0.0024%; no homozygotes.

Submissions (2):

Ambry Genetics
Classification: Uncertain significance for Inborn genetic diseases. Last evaluated: 2025-10-24. Review status: criteria provided, single submitter. Criteria: Ambry Variant Classification Scheme 2023. Collection method: clinical testing. Allele origin: germline.

Labcorp Genetics (formerly Invitae), Labcorp
Classification: Uncertain significance. Last evaluated: 2025-06-04. Review status: criteria provided, single submitter. Criteria: Invitae Variant Classification Sherloc (09022015). Collection method: clinical testing. Allele origin: germline.
Comment: This sequence change replaces leucine, which is neutral and non-polar, with phenylalanine, which is neutral and non-polar, at codon 14 of the SPINT2 protein (p.Leu14Phe). The frequency data for this variant in the population databases is considered unreliable, as metrics indicate poor data quality at this position in the gnomAD database. This variant has not been reported in the literature in individuals affected with SPINT2-related conditions. ClinVar contains an entry for this variant (Variation ID: 1496733). An algorithm developed to predict the effect of missense changes on protein structure and function (PolyPhen-2) suggests that this variant is likely to be disruptive. In summary, the available evidence is currently insufficient to determine the role of this variant in disease. Therefore, it has been classified as a Variant of Uncertain Significance.